The following is an entry in ClinVar:

ClinVar aggregate classification (germline): Likely benign. Review status: criteria provided, multiple submitters, no conflicts (2 of 4 stars). 4 submissions from 4 submitters: Likely benign (3). 1 of the submissions does not count toward it. Last evaluated 2025-11-23.

Conditions:
RAI1-related disorder. Also called: RAI1-related condition.
Inborn genetic diseases. Identifiers: MedGen C0950123, MeSH D030342.

Allele frequency attached by ClinVar (database versions not stated): gnomAD exomes 0.00001 and 0.00003; ExAC 0.00002; gnomAD 0.00012 and 0.00013; ESP Exome Variant Server 0.00015; TOPMed 0.00017.
gnomAD v4.1: 49 of 1,611,776 alleles (0.003%); highest among the groups gnomAD compares: African/African-American, 0.037%; 1 homozygote.

Submissions (4):

Labcorp Genetics (formerly Invitae), Labcorp
Classification: Likely benign. Last evaluated: 2025-11-23. Review status: criteria provided, single submitter. Criteria: Invitae Variant Classification Sherloc (09022015). Collection method: clinical testing. Allele origin: germline.

GeneDx
Classification: Likely benign. Last evaluated: 2020-05-26. Review status: criteria provided, single submitter. Criteria: GeneDx Variant Classification Process June 2021. Collection method: clinical testing. Allele origin: germline. Affected: yes.

Ambry Genetics
Classification: Likely benign for Inborn genetic diseases. Last evaluated: 2017-06-29. Review status: criteria provided, single submitter. Criteria: Ambry Variant Classification Scheme 2023. Collection method: clinical testing. Allele origin: germline.

PreventionGenetics, part of Exact Sciences
Classification: Likely benign for RAI1-related condition. Last evaluated: 2023-10-04. Review status: no assertion criteria provided. Collection method: clinical testing. Allele origin: germline. Not counted in ClinVar's aggregate classification.
Comment: This variant is classified as likely benign based on ACMG/AMP sequence variant interpretation guidelines (Richards et al. 2015 PMID: 25741868, with internal and published modifications).

NM_030665.4(RAI1):c.1785G>A (p.Pro595=)

Gene: RAI1 (retinoic acid induced 1; plus strand). Cytogenetic location: 17p11.2.
Variant type: single nucleotide variant.
Coding change: c.1785G>A on transcript NM_030665.4 (MANE Select); coding-DNA position 1785, G replaced by A.
Protein change: p.Pro595=; no amino-acid change (proline 595 retained).
Molecular consequence: synonymous variant.
Genome position (GRCh38, 1-based): chr17:17,794,733, G>A. VCF-style: chr17-17794733-G-A. GRCh37 (hg19) VCF-style: chr17-17698047-G-A.
Identifiers: ClinVar variation 1197659 (VCV001197659.14), dbSNP rs112693195, ClinGen allele CA8418402.
Genomic context (GRCh38, chr17:17,794,733, plus strand): 5'-ACACGGCAGTCTGCCGCTCGACAGCTTCTCCAAGTTCGTGGCGGGTGAGCGGGACTGTCC[G>A]CGGCTGCTGCTCAGCGCCCTGGCACAGGAGGACCTGGCCTCCGAGATCCTGGGGCTGCAG-3'
Protein context (NP_109590.3, residues 585-605): SKFVAGERDC[Pro595=]RLLLSALAQE